The following is an entry in ClinVar:

NM_030973.4(MED25):c.1841C>T (p.Pro614Leu)

Gene: MED25 (mediator complex subunit 25; plus strand). Cytogenetic location: 19q13.33.
Variant type: single nucleotide variant.
Coding change: c.1841C>T on transcript NM_030973.4 (MANE Select); coding-DNA position 1841, C replaced by T.
Protein change: p.Pro614Leu; replaces proline 614 with leucine.
Molecular consequence: missense variant.
Genome position (GRCh38, 1-based): chr19:49,835,821, C>T. VCF-style: chr19-49835821-C-T. GRCh37 (hg19) VCF-style: chr19-50339078-C-T.
Other names: c.1841C>T, p.Pro614Leu (NM_001378355.1); short protein forms P614L.
Identifiers: ClinVar variation 574079 (VCV000574079.5), dbSNP rs201294692, ClinGen allele CA9585398.

ClinVar aggregate classification (germline): Uncertain significance (1 of 4 stars; one submission).

Conditions:
Charcot-Marie-Tooth disease type 2. Also called: Charcot-Marie-Tooth type 2. Identifiers: Orphanet 64746, MedGen C0270914, MONDO:0018993.

Allele frequency attached by ClinVar (database versions not stated): gnomAD exomes 0.00002 and 0.00003; gnomAD 0.00005 and 0.00006; TOPMed 0.00003; 1000 Genomes Project 30x 0.00031; 1000 Genomes Project 0.00040; ExAC 0.00002.
gnomAD v4.1: 47 of 1,609,966 alleles (0.0029%); highest among the groups gnomAD compares: African/African-American, 0.0093%; no homozygotes.

Submission:

Labcorp Genetics (formerly Invitae), Labcorp
Classification: Uncertain significance for Charcot-Marie-Tooth disease type 2. Last evaluated: 2023-07-14. Review status: criteria provided, single submitter. Criteria: Invitae Variant Classification Sherloc (09022015). Collection method: clinical testing. Allele origin: germline.
Comment: This sequence change replaces proline, which is neutral and non-polar, with leucine, which is neutral and non-polar, at codon 614 of the MED25 protein (p.Pro614Leu). This variant is present in population databases (rs201294692, gnomAD 0.009%). This variant has not been reported in the literature in individuals affected with MED25-related conditions. ClinVar contains an entry for this variant (Variation ID: 574079). An algorithm developed to predict the effect of missense changes on protein structure and function (PolyPhen-2) suggests that this variant¬†is likely to be tolerated. In summary, the available evidence is currently insufficient to determine the role of this variant in disease. Therefore, it has been classified as a Variant of Uncertain Significance.